The following is an entry in ClinVar:

ClinVar aggregate classification (germline): Uncertain significance (1 of 4 stars; one submission).

Conditions:
Baller-Gerold syndrome (BGS). Also called: CRANIOSYNOSTOSIS WITH RADIAL DEFECTS. Identifiers: Orphanet 1225, MedGen C0265308, MONDO:0009039, OMIM 218600.

Allele frequency attached by ClinVar (database versions not stated): gnomAD exomes below 0.00001 and 0.00001; TOPMed below 0.00001; ExAC 0.00001; gnomAD 0.00001.

Submission:

Labcorp Genetics (formerly Invitae), Labcorp
Classification: Uncertain significance for Baller-Gerold syndrome. Last evaluated: 2022-10-11. Review status: criteria provided, single submitter. Criteria: Invitae Variant Classification Sherloc (09022015). Collection method: clinical testing. Allele origin: germline.
Comment: This sequence change replaces lysine, which is basic and polar, with arginine, which is basic and polar, at codon 1154 of the RECQL4 protein (p.Lys1154Arg). This variant is present in population databases (rs767821367, gnomAD 0.0009%). In summary, the available evidence is currently insufficient to determine the role of this variant in disease. Therefore, it has been classified as a Variant of Uncertain Significance. ClinVar contains an entry for this variant (Variation ID: 934607). This variant has not been reported in the literature in individuals affected with RECQL4-related conditions.

NM_004260.4(RECQL4):c.3461A>G (p.Lys1154Arg)

Gene: RECQL4 (RecQ like helicase 4; minus strand). Cytogenetic location: 8q24.3.
Variant type: single nucleotide variant.
Coding change: c.3461A>G on transcript NM_004260.4 (MANE Select); coding-DNA position 3461, A replaced by G.
Protein change: p.Lys1154Arg; replaces lysine 1154 with arginine.
Molecular consequence: missense variant.
Genome position (GRCh38, 1-based): chr8:144,511,722, T>C on the plus strand (A>G on the coding strand, the complement: RECQL4 is on the minus strand). VCF-style: chr8-144511722-T-C. GRCh37 (hg19) VCF-style: chr8-145737105-T-C.
Other names: short protein forms K1154R.
Identifiers: ClinVar variation 934607 (VCV000934607.6), dbSNP rs767821367, ClinGen allele CA4947730.
Genomic context (GRCh38, chr8:144,511,722, plus strand): 5'-GGGGCCTCCCAGGCCTCACCGATGCCGTGGAAGATGCGGGCCACAGCCCTGCTGGAGAAC[T>C]TCTCCTCTGGCCTCAGGGACAGGAACTGGCGGATGTCGCAGCGGACCTGGTCCTCCCAAT-3'
Protein context (NP_004251.4, residues 1144-1164): RQFLSLRPEE[Lys1154Arg]FSSRAVARIF